The following is an entry in ClinVar:

ClinVar aggregate classification (germline): Pathogenic (1 of 4 stars; one submission).

Conditions:
Deficiency of acetyl-CoA acetyltransferase. Also called: 3-KETOTHIOLASE DEFICIENCY; 3-OXOTHIOLASE DEFICIENCY; MITOCHONDRIAL ACETOACETYL-CoA THIOLASE DEFICIENCY; Beta-ketothiolase deficiency. Identifiers: Orphanet 134, MedGen C1536500, MONDO:0008760, OMIM 203750. Disease mechanism: loss of function.

Submission:

Myriad Genetics, Inc.
Classification: Pathogenic for Deficiency of acetyl-CoA acetyltransferase. Last evaluated: 2026-02-11. Review status: criteria provided, single submitter. Criteria: Myriad Autosomal Dominant, Autosomal Recessive and X-Linked Classification Criteria (2023). Collection method: clinical testing. Allele origin: unknown.
Comment: NM_000019.3(ACAT1):c.295delG(E99Kfs*24) is expected to be pathogenic in the context of beta-ketothiolase deficiency. This variant is predicted to lead to an abnormal or absent protein product due to the creation of a premature termination codon in ACAT1, a gene where loss-of-function variants are known to be pathogenic. Please note: this variant was assessed in the context of healthy population screening.

NM_000019.4(ACAT1):c.295del (p.Glu99fs)

Gene: ACAT1 (acetyl-CoA acetyltransferase 1; plus strand). Cytogenetic location: 11q22.3.
Variant type: Deletion.
Coding change: c.295del on transcript NM_000019.4 (MANE Select); coding-DNA position 295, one base deleted (G; older notation c.295delG).
Protein change: p.Glu99fs; shifts the reading frame from glutamic acid 99.
Molecular consequence: frameshift variant. On other transcripts: non-coding transcript variant (2), intron variant (1).
Genome position (GRCh38, 1-based): chr11:108,134,277, G deleted. VCF-style (leftmost placement, unchanged base first): chr11-108134276-TG-T. GRCh37 (hg19) VCF-style: chr11-108005003-TG-T.
Other names: c.295del, p.Glu99fs (NM_001386677.1); c.18del, p.Lys7fs (NM_001386679.1); c.25del, p.Glu9fs (NM_001386681.1, NM_001386682.1, NM_001386685.1 and 6 more transcripts); c.120+2323del (NM_001386678.1); short protein forms E99fs, E9fs, K7fs.
Identifiers: ClinVar variation 5015536 (VCV005015536.1).